The following is an entry in ClinVar:

ClinVar aggregate classification (germline): Uncertain significance (1 of 4 stars; one submission).

Conditions:
Mucopolysaccharidosis, MPS-IV-A (MPS4A). Also called: Mucopolysaccharidosis type IV A; Mucopolysaccharidosis Type IVA; Morquio syndrome A, mild; MORQUIO SYNDROME A; MPS IVA; mucopolysaccharidosis type 4A. Identifiers: Orphanet 309297, Orphanet 582, MedGen C0086651, MONDO:0009659, OMIM 253000.

Allele frequency attached by ClinVar (database versions not stated): gnomAD exomes below 0.00001.
gnomAD v4.1: 2 of 1,575,802 alleles (0.00013%); highest among the groups gnomAD compares: East Asian, 0.0023%; no homozygotes.

Submission:

Labcorp Genetics (formerly Invitae), Labcorp
Classification: Uncertain significance for Mucopolysaccharidosis, MPS-IV-A. Last evaluated: 2022-06-20. Review status: criteria provided, single submitter. Criteria: Invitae Variant Classification Sherloc (09022015). Collection method: clinical testing. Allele origin: germline.
Comment: In summary, the available evidence is currently insufficient to determine the role of this variant in disease. Therefore, it has been classified as a Variant of Uncertain Significance. Advanced modeling of protein sequence and biophysical properties (such as structural, functional, and spatial information, amino acid conservation, physicochemical variation, residue mobility, and thermodynamic stability) performed at Invitae indicates that this missense variant is not expected to disrupt GALNS protein function. ClinVar contains an entry for this variant (Variation ID: 1041607). This variant has not been reported in the literature in individuals affected with GALNS-related conditions. This variant is not present in population databases (gnomAD no frequency). This sequence change replaces glutamine, which is neutral and polar, with arginine, which is basic and polar, at codon 473 of the GALNS protein (p.Gln473Arg).

NM_000512.5(GALNS):c.1418A>G (p.Gln473Arg)

Genes: GALNS (galactosamine (N-acetyl)-6-sulfatase; minus strand), LOC126862447 (CDK7 strongly-dependent group 2 enhancer GRCh37_chr16:88884193-88885392; plus strand). Cytogenetic location: 16q24.3.
Variant type: single nucleotide variant.
Coding change: c.1418A>G on transcript NM_000512.5 (MANE Select); coding-DNA position 1418, A replaced by G.
Protein change: p.Gln473Arg; replaces glutamine 473 with arginine.
Molecular consequence: missense variant.
Genome position (GRCh38, 1-based): chr16:88,818,071, T>C on the plus strand (A>G on the coding strand, the complement: GALNS is on the minus strand). VCF-style: chr16-88818071-T-C. GRCh37 (hg19) VCF-style: chr16-88884479-T-C.
Other names: c.863A>G, p.Gln288Arg (NM_001323543.2); c.1436A>G, p.Gln479Arg (NM_001323544.2); short protein forms Q479R, Q473R, Q288R.
Identifiers: ClinVar variation 1041607 (VCV001041607.9), dbSNP rs1909825123, ClinGen allele CA397094421.